The following is an entry in ClinVar:

NM_024642.5(GALNT12):c.1343T>C (p.Met448Thr)

Gene: GALNT12 (polypeptide N-acetylgalactosaminyltransferase 12; plus strand). Cytogenetic location: 9q22.33.
Variant type: single nucleotide variant.
Coding change: c.1343T>C on transcript NM_024642.5 (MANE Select); coding-DNA position 1343, T replaced by C.
Protein change: p.Met448Thr; replaces methionine 448 with threonine.
Molecular consequence: missense variant.
Genome position (GRCh38, 1-based): chr9:98,840,132, T>C. VCF-style: chr9-98840132-T-C. GRCh37 (hg19) VCF-style: chr9-101602414-T-C.
Other names: short protein forms M448T.
Identifiers: ClinVar variation 4261509 (VCV004261509.1).

ClinVar aggregate classification (germline): Uncertain significance (1 of 4 stars; one submission).

gnomAD v4.1: 1 of 1,613,274 alleles (0.000062%); highest among the groups gnomAD compares: Non-Finnish European, 0.000085%; no homozygotes.

Submission:

Ambry Genetics
Classification: Uncertain significance. Last evaluated: 2025-09-01. Review status: criteria provided, single submitter. Criteria: Ambry Variant Classification Scheme 2023. Collection method: clinical testing. Allele origin: germline.
Comment: The p.M448T variant (also known as c.1343T>C), located in coding exon 7 of the GALNT12 gene, results from a T to C substitution at nucleotide position 1343. The methionine at codon 448 is replaced by threonine, an amino acid with similar properties. This amino acid position is conserved. In addition, the in silico prediction for this alteration is inconclusive. Based on the available evidence, the clinical significance of this variant remains unclear.